The following is an entry in ClinVar:

ClinVar aggregate classification (germline): Pathogenic (1 of 4 stars; one submission).

Conditions:
Methylmalonic aciduria, cblA type (MACA). Also called: Methylmalonic aciduria, vitamin b12-responsive, due to defect in synthesis of adenosylcobalamin, cbla complementation type; MMA cbl A type; Methylmalonic acidemia cblA type; Methylmalonic aciduria, vitamin B12-responsive; Vitamin B12-responsive methylmalonic acidemia type cblA. Identifiers: Orphanet 28, Orphanet 79310, MedGen C1855109, MONDO:0009613, OMIM 251100.

Submission:

Myriad Genetics, Inc.
Classification: Pathogenic for Methylmalonic aciduria, cblA type. Last evaluated: 2023-11-21. Review status: criteria provided, single submitter. Criteria: Myriad Autosomal Dominant, Autosomal Recessive and X-Linked Classification Criteria (2023). Collection method: clinical testing. Allele origin: unknown.
Comment: NM_172250.2(MMAA):c.455dupC(G153Wfs*17) is expected to be pathogenic in the context of methylmalonic acidemia, cblA type. This variant is predicted to lead to an abnormal or absent protein product due to the creation of a premature termination codon in MMAA, a gene where loss-of-function variants are known to be pathogenic. Please note: this variant was assessed in the context of healthy population screening.

NM_172250.3(MMAA):c.455dup (p.Gly153fs)

Gene: MMAA (metabolism of cobalamin associated A; plus strand). Cytogenetic location: 4q31.21.
Variant type: Duplication.
Coding change: c.455dup on transcript NM_172250.3 (MANE Select); coding-DNA position 455, one base duplicated (C; older notation c.455dupC).
Protein change: p.Gly153fs; shifts the reading frame from glycine 153.
Molecular consequence: frameshift variant.
Genome position (GRCh38, 1-based): chr4:145,642,378, C duplicated; the last of 5 consecutive C bases (chr4:145,642,374-145,642,378); duplicating any one gives the same sequence. VCF-style (leftmost placement, unchanged base first): chr4-145642373-G-GC. GRCh37 (hg19) VCF-style: chr4-146563525-G-GC.
Other names: c.455dup, p.Gly153fs (NM_001375644.1); short protein forms G153fs.
Identifiers: ClinVar variation 5012509 (VCV005012509.1).